The following is an entry in ClinVar:

NM_012108.4(STAP1):c.182A>G (p.Lys61Arg)

Gene: STAP1 (signal transducing adaptor family member 1; plus strand). Cytogenetic location: 4q13.2.
Variant type: single nucleotide variant.
Coding change: c.182A>G on transcript NM_012108.4 (MANE Select); coding-DNA position 182, A replaced by G.
Protein change: p.Lys61Arg; replaces lysine 61 with arginine.
Molecular consequence: missense variant.
Genome position (GRCh38, 1-based): chr4:67,571,145, A>G. VCF-style: chr4-67571145-A-G. GRCh37 (hg19) VCF-style: chr4-68436863-A-G.
Other names: c.182A>G, p.Lys61Arg (NM_001317769.2); short protein forms K61R.
Identifiers: ClinVar variation 1780908 (VCV001780908.2), dbSNP rs746140409, ClinGen allele CA2937463.
Genomic context (GRCh38, chr4:67,571,145, plus strand): 5'-AGTATGAGCATTACTGGACAGAGTTGAGAGGAACTACTCTTTTCTTTTATACCGACAAAA[A>G]GAGTATAATAGTAAGTAAATATGTTGAGCTGATTCCATTGTTTCCCAATATACCCTTGTC-3'
Protein context (NP_036240.1, residues 51-71): GTTLFFYTDK[Lys61Arg]SIIYVDKLDI

ClinVar aggregate classification (germline): Uncertain significance (1 of 4 stars; one submission).

Allele frequency attached by ClinVar (database versions not stated): gnomAD exomes 0.00004; TOPMed 0.00004; gnomAD 0.00005; ExAC 0.00009.
gnomAD v4.1: 75 of 1,600,840 alleles (0.0047%); highest among the groups gnomAD compares: Admixed American, 0.018%; no homozygotes.

Submission:

Ambry Genetics
Classification: Uncertain significance. Last evaluated: 2024-02-26. Review status: criteria provided, single submitter. Criteria: Ambry Variant Classification Scheme 2023. Collection method: clinical testing. Allele origin: germline.
Comment: The p.K61R variant (also known as c.182A>G), located in coding exon 2 of the STAP1 gene, results from an A to G substitution at nucleotide position 182. The lysine at codon 61 is replaced by arginine, an amino acid with highly similar properties. This amino acid position is conserved. In addition, this alteration is predicted to be tolerated by in silico analysis. Since supporting evidence is limited at this time, the clinical significance of this alteration remains unclear.